The following is an entry in ClinVar:

ClinVar aggregate classification (germline): Conflicting classifications of pathogenicity. Review status: criteria provided, conflicting classifications (1 of 4 stars). 3 submissions from 3 submitters: Uncertain significance (2); Likely benign (1). Last evaluated 2026-06-16.

Conditions:
Inborn genetic diseases. Identifiers: MedGen C0950123, MeSH D030342.
Intellectual developmental disorder, autosomal dominant 1. Also called: MBD5 Haploinsufficiency; Intellectual disability, autosomal dominant 1. Identifiers: Orphanet 228402, MedGen C1969562, MONDO:0007974, OMIM 156200.

Submissions (3):

Ambry Genetics
Classification: Likely benign for Inborn genetic diseases. Last evaluated: 2026-06-16. Review status: criteria provided, single submitter. Criteria: Ambry Variant Classification Scheme 2023. Collection method: clinical testing. Allele origin: germline.

CeGaT Center for Human Genetics Tuebingen
Classification: Uncertain significance. Last evaluated: 2025-12-01. Review status: criteria provided, single submitter. Criteria: CeGaT Center For Human Genetics Tuebingen Variant Classification Criteria Version 2. Collection method: clinical testing. Allele origin: germline. Affected: yes. Observed: 1 variant allele.
Comment: MBD5: PM4

Labcorp Genetics (formerly Invitae), Labcorp
Classification: Uncertain significance for Intellectual developmental disorder, autosomal dominant 1. Last evaluated: 2024-11-21. Review status: criteria provided, single submitter. Criteria: Invitae Variant Classification Sherloc (09022015). Collection method: clinical testing. Allele origin: germline.
Comment: This variant, c.1842_1865del, results in the deletion of 8 amino acid(s) of the MBD5 protein (p.Glu615_Thr622del), but otherwise preserves the integrity of the reading frame. This variant is present in population databases (rs780715275, gnomAD 0.01%). This variant has not been reported in the literature in individuals affected with MBD5-related conditions. ClinVar contains an entry for this variant (Variation ID: 581658). Experimental studies and prediction algorithms are not available or were not evaluated, and the functional significance of this variant is currently unknown. In summary, the available evidence is currently insufficient to determine the role of this variant in disease. Therefore, it has been classified as a Variant of Uncertain Significance.

NM_001378120.1(MBD5):c.1842_1865del (p.Glu615_Thr622del)

Gene: MBD5 (methyl-CpG binding domain protein 5; plus strand). Cytogenetic location: 2q23.1.
Variant type: Deletion.
Coding change: c.1842_1865del on transcript NM_001378120.1 (MANE Select); coding-DNA positions 1842 to 1865, 24 bases deleted (TGAAGGACATAGCACTTTAAACAC).
Protein change: p.Glu615_Thr622del.
Molecular consequence: inframe deletion.
Genome position (GRCh38, 1-based): chr2:148,469,785-148,469,808, TGAAGGACATAGCACTTTAAACAC deleted; deleting any 24 consecutive bases within chr2:148,469,780-148,469,808 gives the same sequence; the c. name uses the placement nearest the transcript's 3' end. VCF-style (leftmost placement, unchanged base first): chr2-148469779-CAACACTGAAGGACATAGCACTTTA-C. GRCh37 (hg19) VCF-style: chr2-149227348-CAACACTGAAGGACATAGCACTTTA-C.
Other names: c.1842_1865delTGAAGGACATAGCACTTTAAACAC (NM_018328.4); c.1842_1865del, p.Glu615_Thr622del (NM_018328.5).
Identifiers: ClinVar variation 581658 (VCV000581658.17), dbSNP rs780715275, ClinGen allele CA1900065.
Genomic context (GRCh38, chr2:148,469,779, plus strand): 5'-CAAACTTGCTGGTAACAACAGTAGCAGCAGTAGCAATTCTGGAGCTGTTGCCGGCAGTGG[CAACACTGAAGGACATAGCACTTTA>C]AACACCATGTTCCCTCCTACTGCCAACATGCTTCTCCCAACAGGTGAAGGGCAAAGTGGT-3'